The following is an entry in ClinVar:

NM_014946.4(SPAST):c.935A>C (p.Lys312Thr)

Gene: SPAST (spastin; plus strand). Cytogenetic location: 2p22.3.
Variant type: single nucleotide variant.
Coding change: c.935A>C on transcript NM_014946.4 (MANE Select); coding-DNA position 935, A replaced by C.
Protein change: p.Lys312Thr; replaces lysine 312 with threonine.
Molecular consequence: missense variant.
Genome position (GRCh38, 1-based): chr2:32,115,766, A>C. VCF-style: chr2-32115766-A-C. GRCh37 (hg19) VCF-style: chr2-32340835-A-C.
Other names: c.932A>C, p.Lys311Thr (NM_001363823.2); c.836A>C, p.Lys279Thr (NM_001363875.2); c.839A>C, p.Lys280Thr (NM_001377959.1, NM_199436.2); c.935A>C (NM_014946.3); short protein forms K279T, K280T, K311T, K312T.
Identifiers: ClinVar variation 1400091 (VCV001400091.7), dbSNP rs540279272, ClinGen allele CA1600745.

ClinVar aggregate classification (germline): Uncertain significance. Review status: criteria provided, multiple submitters, no conflicts (2 of 4 stars). 2 submissions from 2 submitters: Uncertain significance (2). Last evaluated 2025-11-11.

Conditions:
Inborn genetic diseases. Identifiers: MedGen C0950123, MeSH D030342.
Hereditary spastic paraplegia 4. Also called: Spastic paraplegia 4, autosomal dominant; Familial spastic paraplegia autosomal dominant 2; Spastic Paraplegia 4. Identifiers: Orphanet 100985, MedGen C1866855, MONDO:0008438, OMIM 182601.

Allele frequency attached by ClinVar (database versions not stated): gnomAD 0.00001; TOPMed 0.00002.
gnomAD v4.1: 2 of 1,611,458 alleles (0.00012%); highest among the groups gnomAD compares: African/African-American, 0.0027%; no homozygotes.

Submissions (2):

Ambry Genetics
Classification: Uncertain significance for Inborn genetic diseases. Last evaluated: 2025-11-11. Review status: criteria provided, single submitter. Criteria: Ambry Variant Classification Scheme 2023. Collection method: clinical testing. Allele origin: germline.

Labcorp Genetics (formerly Invitae), Labcorp
Classification: Uncertain significance for Hereditary spastic paraplegia 4. Last evaluated: 2024-05-15. Review status: criteria provided, single submitter. Criteria: Invitae Variant Classification Sherloc (09022015). Collection method: clinical testing. Allele origin: germline.
Comment: This sequence change replaces lysine, which is basic and polar, with threonine, which is neutral and polar, at codon 312 of the SPAST protein (p.Lys312Thr). This variant is present in population databases (rs540279272, gnomAD 0.007%). This variant has not been reported in the literature in individuals affected with SPAST-related conditions. ClinVar contains an entry for this variant (Variation ID: 1400091). Advanced modeling of protein sequence and biophysical properties (such as structural, functional, and spatial information, amino acid conservation, physicochemical variation, residue mobility, and thermodynamic stability) performed at Invitae indicates that this missense variant is not expected to disrupt SPAST protein function with a negative predictive value of 80%. In summary, the available evidence is currently insufficient to determine the role of this variant in disease. Therefore, it has been classified as a Variant of Uncertain Significance.